The following is an entry in ClinVar:

NM_001174150.2(ARL13B):c.138T>G (p.Pro46=)

Gene: ARL13B (ARF like GTPase 13B; plus strand). Cytogenetic location: 3q11.2.
Variant type: single nucleotide variant.
Coding change: c.138T>G on transcript NM_001174150.2 (MANE Select); coding-DNA position 138, T replaced by G.
Protein change: p.Pro46=; no amino-acid change (proline 46 retained).
Molecular consequence: synonymous variant. On other transcripts: 5 prime UTR variant (1), intron variant (2).
Genome position (GRCh38, 1-based): chr3:94,003,666, T>G. VCF-style: chr3-94003666-T-G. GRCh37 (hg19) VCF-style: chr3-93722510-T-G.
Other names: c.138T>G (NM_182896.2); c.-172T>G (NM_001174151.2); c.93T>G, p.Pro31= (NM_001321328.2); c.138T>G, p.Pro46= (NM_001410782.1, NM_182896.3); c.59+23184T>G (NM_144996.4, NM_001437443.1).
Identifiers: ClinVar variation 4963410 (VCV004963410.2).

ClinVar aggregate classification (germline): Likely benign. Review status: criteria provided, multiple submitters, no conflicts (2 of 4 stars). 2 submissions from 2 submitters: Likely benign (2). Last evaluated 2025-07-01.

Conditions:
ARL13B-related disorder. Also called: ARL13B-related condition.

gnomAD v4.1: 17 of 1,613,098 alleles (0.0011%); highest among the groups gnomAD compares: Non-Finnish European, 0.0014%; no homozygotes.

Submissions (2):

PreventionGenetics, part of Exact Sciences
Classification: Likely benign for ARL13B-related condition. Last evaluated: 2025-07-01. Review status: criteria provided, single submitter. Criteria: ACMG Guidelines, 2015. Collection method: clinical testing. Allele origin: germline.
Comment: This variant is classified as likely benign based on ACMG/AMP sequence variant interpretation guidelines (Richards et al. 2015 PMID: 25741868, with internal and published modifications).

Blueprint Genetics
Classification: Likely benign. Last evaluated: 2024-06-12. Review status: criteria provided, single submitter. Criteria: ACMG Guidelines, 2015. Collection method: clinical testing. Allele origin: germline.